The following is an entry in ClinVar:

NM_000245.4(MET):c.3517A>G (p.Thr1173Ala)

Gene: MET (MET proto-oncogene, receptor tyrosine kinase; plus strand). Cytogenetic location: 7q31.2.
Variant type: single nucleotide variant.
Coding change: c.3517A>G on transcript NM_000245.4 (MANE Select); coding-DNA position 3517, A replaced by G.
Protein change: p.Thr1173Ala; replaces threonine 1173 with alanine.
Molecular consequence: missense variant.
Genome position (GRCh38, 1-based): chr7:116,778,952, A>G. VCF-style: chr7-116778952-A-G. GRCh37 (hg19) VCF-style: chr7-116419006-A-G.
Other names: c.3571A>G (LRG_662t1, NM_001127500.2); c.3571A>G, p.Thr1191Ala (NM_001127500.3); c.2227A>G, p.Thr743Ala (NM_001324402.2); short protein forms T743A, T1173A, T1191A.
Identifiers: ClinVar variation 654984 (VCV000654984.18), dbSNP rs779636840, ClinGen allele CA4448733.

ClinVar aggregate classification (germline): Uncertain significance. Review status: criteria provided, multiple submitters, no conflicts (2 of 4 stars). 5 submissions from 5 submitters: Uncertain significance (4). 1 of the submissions does not count toward it. Last evaluated 2026-01-01.

Conditions:
MET-related disorder. Also called: MET-related condition.
Renal cell carcinoma. Identifiers: Orphanet 217071, MedGen C0007134, MeSH D002292, MONDO:0005086, HP:0005584.
Hereditary cancer-predisposing syndrome. Also called: Hereditary Cancer Syndrome; Hereditary neoplastic syndrome; Tumor predisposition; Neoplastic Syndromes, Hereditary. Identifiers: Orphanet 140162, MedGen C0027672, MeSH D009386, MONDO:0015356.

Allele frequency attached by ClinVar (database versions not stated): gnomAD exomes 0.00001; gnomAD 0.00001; ExAC 0.00002; TOPMed 0.00002.

Submissions (5):

Labcorp Genetics (formerly Invitae), Labcorp
Classification: Uncertain significance for Renal cell carcinoma. Last evaluated: 2026-01-01. Review status: criteria provided, single submitter. Criteria: Invitae Variant Classification Sherloc (09022015). Collection method: clinical testing. Allele origin: germline.
Comment: This sequence change replaces threonine, which is neutral and polar, with alanine, which is neutral and non-polar, at codon 1191 of the MET protein (p.Thr1191Ala). This variant is present in population databases (rs779636840, gnomAD 0.002%). This variant has not been reported in the literature in individuals affected with MET-related conditions. ClinVar contains an entry for this variant (Variation ID: 654984). Invitae Evidence Modeling of protein sequence and biophysical properties (such as structural, functional, and spatial information, amino acid conservation, physicochemical variation, residue mobility, and thermodynamic stability) indicates that this missense variant is not expected to disrupt MET protein function with a negative predictive value of 80%. In summary, the available evidence is currently insufficient to determine the role of this variant in disease. Therefore, it has been classified as a Variant of Uncertain Significance.

Dasa
Classification: Uncertain significance. Last evaluated: 2025-01-13. Review status: criteria provided, single submitter. Criteria: DASA Assertion Criteria. Collection method: clinical testing. Allele origin: germline.
Comment: NM_000245.4(MET):c.3517A>G (p.Thr1173Ala) is a missense variant that results in the substitution of threonine with alanine. This variant is rare in population databases. Computational prediction algorithms are consistent with a benign effect. The currently available literature and clinical evidence are not sufficient to establish a definitive association between this variant and the reported condition. Therefore, this variant is classified as a variant of uncertain significance.

Ambry Genetics
Classification: Uncertain significance for Hereditary cancer-predisposing syndrome. Last evaluated: 2024-03-22. Review status: criteria provided, single submitter. Criteria: Ambry Variant Classification Scheme 2023. Collection method: clinical testing. Allele origin: germline.
Comment: The p.T1191A variant (also known as c.3571A>G), located in coding exon 16 of the MET gene, results from an A to G substitution at nucleotide position 3571. The threonine at codon 1191 is replaced by alanine, an amino acid with similar properties. This amino acid position is not well conserved in available vertebrate species. In addition, this alteration is predicted to be tolerated by in silico analysis. Since supporting evidence is limited at this time, the clinical significance of this alteration remains unclear.

GeneDx
Classification: Uncertain significance. Last evaluated: 2023-10-13. Review status: criteria provided, single submitter. Criteria: GeneDx Variant Classification Process June 2021. Collection method: clinical testing. Allele origin: germline. Affected: yes.
Comment: Not observed at significant frequency in large population cohorts (gnomAD); In silico analysis supports that this missense variant does not alter protein structure/function; Observed in the homozygous state in an individual with autism spectrum disorder (Reale et al., 2021); This variant is associated with the following publications: (PMID: Reale2021[article])

PreventionGenetics, part of Exact Sciences
Classification: Uncertain significance for MET-related condition. Last evaluated: 2024-06-12. Review status: no assertion criteria provided. Collection method: clinical testing. Allele origin: germline. Not counted in ClinVar's aggregate classification.
Comment: The MET c.3571A>G variant is predicted to result in the amino acid substitution p.Thr1191Ala. To our knowledge, this variant has not been reported in the literature. This variant is reported in 0.0018% of alleles in individuals of European (Non-Finnish) descent in gnomAD and, in ClinVar, it is classified as variant of uncertain significance. At this time, the clinical significance of this variant is uncertain due to the absence of conclusive functional and genetic evidence.